The following is an entry in ClinVar:

ClinVar aggregate classification (germline): Uncertain significance (1 of 4 stars; one submission).

Allele frequency attached by ClinVar (database versions not stated): gnomAD exomes below 0.00001.
gnomAD v4.1: 3 of 1,602,768 alleles (0.00019%); highest among the groups gnomAD compares: South Asian, 0.0022%; no homozygotes.

Submission:

Labcorp Genetics (formerly Invitae), Labcorp
Classification: Uncertain significance. Last evaluated: 2020-02-02. Review status: criteria provided, single submitter. Criteria: Invitae Variant Classification Sherloc (09022015). Collection method: clinical testing. Allele origin: germline.
Comment: This sequence change replaces aspartic acid with glutamic acid at codon 236 of the USH1G protein (p.Asp236Glu). The aspartic acid residue is highly conserved and there is a small physicochemical difference between aspartic acid and glutamic acid. This variant is not present in population databases (ExAC no frequency). This variant has not been reported in the literature in individuals with USH1G-related conditions. Algorithms developed to predict the effect of missense changes on protein structure and function are either unavailable or do not agree on the potential impact of this missense change (SIFT: "Not Available"; PolyPhen-2: "Probably Damaging"; Align-GVGD: "Not Available"). In summary, the available evidence is currently insufficient to determine the role of this variant in disease. Therefore, it has been classified as a Variant of Uncertain Significance.

NM_173477.5(USH1G):c.708T>G (p.Asp236Glu)

Gene: USH1G (USH1 protein network component sans; minus strand). Cytogenetic location: 17q25.1.
Variant type: single nucleotide variant.
Coding change: c.708T>G on transcript NM_173477.5 (MANE Select); coding-DNA position 708, T replaced by G.
Protein change: p.Asp236Glu; replaces aspartic acid 236 with glutamic acid.
Molecular consequence: missense variant.
Genome position (GRCh38, 1-based): chr17:74,920,128, A>C on the plus strand (T>G on the coding strand, the complement: USH1G is on the minus strand). VCF-style: chr17-74920128-A-C. GRCh37 (hg19) VCF-style: chr17-72916223-A-C.
Other names: c.399T>G, p.Asp133Glu (NM_001282489.3); short protein forms D133E, D236E.
Identifiers: ClinVar variation 1008785 (VCV001008785.7), dbSNP rs2038920549, ClinGen allele CA400963751.